The following is an entry in ClinVar:

ClinVar aggregate classification (germline): Uncertain significance. Review status: criteria provided, multiple submitters, no conflicts (2 of 4 stars). 3 submissions from 3 submitters: Uncertain significance (3). Last evaluated 2025-10-10.

Conditions:
Atrioventricular septal defect 5 (AVSD5). Identifiers: MedGen C3280939, MONDO:0013769, OMIM 614474.
Atrial septal defect 9 (ASD9). Identifiers: Orphanet 1478, MedGen C3280943, MONDO:0013770, OMIM 614475.

Allele frequency attached by ClinVar (database versions not stated): TOPMed 0.00001.

Submissions (3):

Dasa
Classification: Uncertain significance. Last evaluated: 2025-10-10. Review status: criteria provided, single submitter. Criteria: DASA Assertion Criteria. Collection method: clinical testing. Allele origin: germline.
Comment: NM_005257.6(GATA6):c.1089G>T (p.Gln363His) is a missense variant that results in the substitution of glutamine with histidine. This variant is absent from population databases. Computational prediction algorithms are consistent with a deleterious effect. The currently available literature and clinical evidence are not sufficient to establish a definitive association between this variant and the reported condition. Therefore, this variant is classified as a variant of uncertain significance.

Laboratorio de Genetica e Diagnostico Molecular, Hospital Israelita Albert Einstein
Classification: Uncertain significance for Atrial septal defect 9. Last evaluated: 2022-07-07. Review status: criteria provided, single submitter. Criteria: ACMG Guidelines, 2015. Collection method: clinical testing. Allele origin: germline. Affected: yes. Observed: 1 variant allele.
Comment: ACMG classification criteria: PM2 moderated, PP3 supporting

Labcorp Genetics (formerly Invitae), Labcorp
Classification: Uncertain significance for Atrioventricular septal defect 5. Last evaluated: 2017-02-06. Review status: criteria provided, single submitter. Criteria: Invitae Variant Classification Sherloc (09022015). Collection method: clinical testing. Allele origin: germline.
Comment: In summary, this variant is a novel missense change with uncertain impact on protein function. It has been classified as a Variant of Uncertain Significance. Algorithms developed to predict the effect of missense changes on protein structure and function do not agree on the potential impact of this missense change (SIFT: "Deleterious"; PolyPhen-2: "Probably Damaging"; Align-GVGD: "Class C0"). While this variant is not present in population databases (ExAC no frequency), the frequency information is unreliable, as metrics indicate poor data quality at this position in the ExAC database. This variant has not been reported in the literature in individuals with a GATA6-related disease. This sequence change replaces glutamine with histidine at codon 363 of the GATA6 protein (p.Gln363His). The glutamine residue is moderately conserved and there is a small physicochemical difference between glutamine and histidine.

NM_005257.6(GATA6):c.1089G>T (p.Gln363His)

Gene: GATA6 (GATA binding protein 6; plus strand). Cytogenetic location: 18q11.2.
Variant type: single nucleotide variant.
Coding change: c.1089G>T on transcript NM_005257.6 (MANE Select); coding-DNA position 1089, G replaced by T.
Protein change: p.Gln363His; replaces glutamine 363 with histidine.
Molecular consequence: missense variant.
Genome position (GRCh38, 1-based): chr18:22,172,233, G>T. VCF-style: chr18-22172233-G-T. GRCh37 (hg19) VCF-style: chr18-19752194-G-T.
Other names: short protein forms Q363H.
Identifiers: ClinVar variation 472909 (VCV000472909.11), dbSNP rs1253142325, ClinGen allele CA401801784.